The following is an entry in ClinVar:

ClinVar aggregate classification (germline): Uncertain significance (1 of 4 stars; one submission).

Submission:

Ambry Genetics
Classification: Uncertain significance. Last evaluated: 2024-11-11. Review status: criteria provided, single submitter. Criteria: Ambry Variant Classification Scheme 2023. Collection method: clinical testing. Allele origin: germline.
Comment: The p.A194P variant (also known as c.580G>C), located in coding exon 6 of the FAM175A gene, results from a G to C substitution at nucleotide position 580. The alanine at codon 194 is replaced by proline, an amino acid with highly similar properties. This amino acid position is conserved. In addition, the in silico prediction for this alteration is inconclusive. Based on the available evidence, the clinical significance of this variant remains unclear.

NM_139076.3(ABRAXAS1):c.580G>C (p.Ala194Pro)

Gene: ABRAXAS1 (abraxas 1, BRCA1 A complex subunit; minus strand). Cytogenetic location: 4q21.23.
Variant type: single nucleotide variant.
Coding change: c.580G>C on transcript NM_139076.3 (MANE Select); coding-DNA position 580, G replaced by C.
Protein change: p.Ala194Pro; replaces alanine 194 with proline.
Molecular consequence: missense variant.
Genome position (GRCh38, 1-based): chr4:83,469,048, C>G on the plus strand (G>C on the coding strand, the complement: ABRAXAS1 is on the minus strand). VCF-style: chr4-83469048-C-G. GRCh37 (hg19) VCF-style: chr4-84390201-C-G.
Other names: c.253G>C, p.Ala85Pro (NM_001345962.2); short protein forms A194P, A85P.
Identifiers: ClinVar variation 3448550 (VCV003448550.1).